The following is an entry in ClinVar:

NM_021629.4(GNB4):c.799G>A (p.Asp267Asn)

Gene: GNB4 (G protein subunit beta 4; minus strand). Cytogenetic location: 3q26.33.
Variant type: single nucleotide variant.
Coding change: c.799G>A on transcript NM_021629.4 (MANE Select); coding-DNA position 799, G replaced by A.
Protein change: p.Asp267Asn; replaces aspartic acid 267 with asparagine.
Molecular consequence: missense variant.
Genome position (GRCh38, 1-based): chr3:179,405,307, C>T on the plus strand (G>A on the coding strand, the complement: GNB4 is on the minus strand). VCF-style: chr3-179405307-C-T. GRCh37 (hg19) VCF-style: chr3-179123095-C-T.
Other names: short protein forms D267N.
Identifiers: ClinVar variation 473893 (VCV000473893.9), dbSNP rs752762550, ClinGen allele CA2712407.

ClinVar aggregate classification (germline): Uncertain significance. Review status: criteria provided, multiple submitters, no conflicts (2 of 4 stars). 2 submissions from 2 submitters: Uncertain significance (2). Last evaluated 2025-10-17.

Conditions:
Charcot-Marie-Tooth disease dominant intermediate F. Identifiers: Orphanet 352670, MedGen C4749463, MONDO:0014074, OMIM 615185.
Inborn genetic diseases. Identifiers: MedGen C0950123, MeSH D030342.

Allele frequency attached by ClinVar (database versions not stated): gnomAD exomes below 0.00001 and 0.00001; ExAC 0.00001; gnomAD 0.00001; TOPMed 0.00001.

Submissions (2):

Labcorp Genetics (formerly Invitae), Labcorp
Classification: Uncertain significance for Charcot-Marie-Tooth disease dominant intermediate F. Last evaluated: 2025-10-17. Review status: criteria provided, single submitter. Criteria: Invitae Variant Classification Sherloc (09022015). Collection method: clinical testing. Allele origin: germline.
Comment: This sequence change replaces aspartic acid, which is acidic and polar, with asparagine, which is neutral and polar, at codon 267 of the GNB4 protein (p.Asp267Asn). This variant is present in population databases (rs752762550, gnomAD 0.0009%). This variant has not been reported in the literature in individuals affected with GNB4-related conditions. ClinVar contains an entry for this variant (Variation ID: 473893). Invitae Evidence Modeling of protein sequence and biophysical properties (such as structural, functional, and spatial information, amino acid conservation, physicochemical variation, residue mobility, and thermodynamic stability) indicates that this missense variant is not expected to disrupt GNB4 protein function with a negative predictive value of 95%. In summary, the available evidence is currently insufficient to determine the role of this variant in disease. Therefore, it has been classified as a Variant of Uncertain Significance.

Ambry Genetics
Classification: Uncertain significance for Inborn genetic diseases. Last evaluated: 2022-01-19. Review status: criteria provided, single submitter. Criteria: Ambry Variant Classification Scheme 2023. Collection method: clinical testing. Allele origin: germline.
Comment: The c.799G>A (p.D267N) alteration is located in exon 9 (coding exon 8) of the GNB4 gene. This alteration results from a G to A substitution at nucleotide position 799, causing the aspartic acid (D) at amino acid position 267 to be replaced by an asparagine (N). Based on data from the Genome Aggregation Database (gnomAD), the c.799G>A alteration was observed in <0.001% (1/251,382) of total alleles studied. This amino acid position is highly conserved in available vertebrate species. This alteration is predicted to be tolerated by in silico analysis. Based on insufficient or conflicting evidence, the clinical significance of this alteration remains unclear.